The following is an entry in ClinVar:

ClinVar aggregate classification (germline): Uncertain significance (1 of 4 stars; one submission).

Submission:

Greenwood Genetic Center Diagnostic Laboratories, Greenwood Genetic Center
Classification: Uncertain significance. Last evaluated: 2023-05-05. Review status: criteria provided, single submitter. Criteria: ACMG Guidelines, 2015. Collection method: clinical testing. Allele origin: germline. Affected: yes.
Comment: PM2, PP3

NM_005235.3(ERBB4):c.1198+1G>T

Gene: ERBB4 (erb-b2 receptor tyrosine kinase 4; minus strand). Cytogenetic location: 2q34.
Variant type: single nucleotide variant.
Coding change: c.1198+1G>T on transcript NM_005235.3 (MANE Select); the canonical splice donor site of the intron after coding-DNA position 1198, G replaced by T.
Molecular consequence: splice donor variant.
Genome position (GRCh38, 1-based): chr2:211,705,317, C>A on the plus strand (G>T on the coding strand, the complement: ERBB4 is on the minus strand). VCF-style: chr2-211705317-C-A. GRCh37 (hg19) VCF-style: chr2-212570042-C-A.
Other names: c.1198+1G>T (NM_001042599.2, NM_001439006.1, NM_001439005.1).
Identifiers: ClinVar variation 2572193 (VCV002572193.1), dbSNP rs2073398349, ClinGen allele CA350442833.
Genomic context (GRCh38, chr2:211,705,317, plus strand): 5'-TGTGTAATTTTTAAAAAAATTATATTGTTCATAGCGCAACAGTTGCAGTTTAAAAAATTA[C>A]CTGTTATCTCTCTGACTGTCCGAAAGACGTTCAGTTTCTCTGGGTCTATGGCTTCAATTG-3'